The following is an entry in ClinVar:

NM_000159.4(GCDH):c.8dup (p.Arg4fs)

Genes: GCDH (glutaryl-CoA dehydrogenase; plus strand), LOC117125594 (CRISPRi-FlowFISH-validated KLF1 regulatory element; plus strand). Cytogenetic location: 19p13.13.
Variant type: Duplication.
Coding change: c.8dup on transcript NM_000159.4 (MANE Select); coding-DNA position 8, one base duplicated (T; older notation c.8dupT).
Protein change: p.Arg4fs; shifts the reading frame from arginine 4.
Molecular consequence: frameshift variant. On other transcripts: non-coding transcript variant (2).
Genome position (GRCh38, 1-based): chr19:12,891,312, T duplicated. VCF-style (leftmost placement, unchanged base first): chr19-12891311-C-CT. GRCh37 (hg19) VCF-style: chr19-13002125-C-CT.
Other names: c.8dup, p.Arg4fs (NM_013976.5); short protein forms R4fs.
Identifiers: ClinVar variation 1070084 (VCV001070084.7), dbSNP rs2145938175, ClinGen allele CA2499225377.

ClinVar aggregate classification (germline): Pathogenic (1 of 4 stars; one submission).

Conditions:
Glutaric aciduria, type 1. Also called: GA I; Glutaric Acidemia Type 1; Glutaric acidemia type I; Glutaricacidemia Type 1; Glutaryl-CoA dehydrogenase deficiency; Glutaricaciduria, type I. Identifiers: Orphanet 25, MedGen C0268595, MONDO:0009281, OMIM 231670.

Submission:

Labcorp Genetics (formerly Invitae), Labcorp
Classification: Pathogenic for Glutaric aciduria, type 1. Last evaluated: 2020-04-12. Review status: criteria provided, single submitter. Criteria: Invitae Variant Classification Sherloc (09022015). Collection method: clinical testing. Allele origin: germline.
Comment: This sequence change creates a premature translational stop signal (p.Arg4Glufs*39) in the GCDH gene. It is expected to result in an absent or disrupted protein product. This variant is not present in population databases (ExAC no frequency). This variant has not been reported in the literature in individuals with GCDH-related conditions. Loss-of-function variants in GCDH are known to be pathogenic (PMID: 10699052, 11854167, 16602100). For these reasons, this variant has been classified as Pathogenic.

Literature cited by the submitters: PubMed 10699052; PubMed 11854167; PubMed 16602100.